The following is an entry in ClinVar:

NM_003978.5(PSTPIP1):c.1115C>T (p.Ala372Val)

Gene: PSTPIP1 (proline-serine-threonine phosphatase interacting protein 1; plus strand). Cytogenetic location: 15q24.3.
Variant type: single nucleotide variant.
Coding change: c.1115C>T on transcript NM_003978.5 (MANE Select); coding-DNA position 1115, C replaced by T.
Protein change: p.Ala372Val; replaces alanine 372 with valine.
Molecular consequence: missense variant. On other transcripts: non-coding transcript variant (1).
Genome position (GRCh38, 1-based): chr15:77,035,931, C>T. VCF-style: chr15-77035931-C-T. GRCh37 (hg19) VCF-style: chr15-77328272-C-T.
Other names: c.1058C>T, p.Ala353Val (NM_001321135.2); c.1088C>T, p.Ala363Val (NM_001321136.2); c.1310C>T, p.Ala437Val (NM_001321137.1); short protein forms A372V, A353V, A363V, A437V.
Identifiers: ClinVar variation 440209 (VCV000440209.26), dbSNP rs200188483, ClinGen allele CA7676167.

ClinVar aggregate classification (germline): Conflicting classifications of pathogenicity. Review status: criteria provided, conflicting classifications (1 of 4 stars). 6 submissions from 6 submitters: Uncertain significance (4); Likely benign (2). Last evaluated 2026-01-22.

Conditions:
Autoinflammatory syndrome. Identifiers: Orphanet 93665, MedGen C3890737, MONDO:0019751.
Pyogenic arthritis-pyoderma gangrenosum-acne syndrome (PAPA). Also called: FAMILIAL RECURRENT ARTHRITIS; PAPA SYNDROME. Identifiers: Orphanet 69126, MedGen C1858361, MONDO:0011462, OMIM 604416.

Allele frequency attached by ClinVar (database versions not stated): gnomAD exomes 0.00010; TOPMed 0.00010; ExAC 0.00011; gnomAD 0.00013 and 0.00014.
gnomAD v4.1: 100 of 1,599,614 alleles (0.0063%); highest among the groups gnomAD compares: Middle Eastern, 0.082%; 1 homozygote.

Submissions (6):

Labcorp Genetics (formerly Invitae), Labcorp
Classification: Uncertain significance for Pyogenic arthritis-pyoderma gangrenosum-acne syndrome. Last evaluated: 2026-01-22. Review status: criteria provided, single submitter. Criteria: Invitae Variant Classification Sherloc (09022015). Collection method: clinical testing. Allele origin: germline.
Comment: This sequence change replaces alanine, which is neutral and non-polar, with valine, which is neutral and non-polar, at codon 372 of the PSTPIP1 protein (p.Ala372Val). This variant is present in population databases (rs200188483, gnomAD 0.03%). This missense change has been observed in individual(s) with primary immunodeficiency and fevers with lymphadenopathy (PMID: 27577878, 30290665). ClinVar contains an entry for this variant (Variation ID: 440209). Invitae Evidence Modeling of protein sequence and biophysical properties (such as structural, functional, and spatial information, amino acid conservation, physicochemical variation, residue mobility, and thermodynamic stability) indicates that this missense variant is expected to disrupt PSTPIP1 protein function with a positive predictive value of 80%. In summary, the available evidence is currently insufficient to determine the role of this variant in disease. Therefore, it has been classified as a Variant of Uncertain Significance.

Blueprint Genetics
Classification: Likely benign. Last evaluated: 2022-09-20. Review status: criteria provided, single submitter. Criteria: ACMG Guidelines, 2015. Collection method: clinical testing. Allele origin: germline.

Institute for Clinical Genetics, University Hospital TU Dresden, University Hospital TU Dresden
Classification: Likely benign. Last evaluated: 2021-11-03. Review status: criteria provided, single submitter. Criteria: ACMG Guidelines, 2015. Collection method: clinical testing. Allele origin: germline.

Genome Diagnostics Laboratory, The Hospital for Sick Children
Classification: Uncertain significance for Autoinflammatory syndrome. Last evaluated: 2019-09-01. Review status: criteria provided, single submitter. Criteria: ACMG Guidelines, 2015. Collection method: clinical testing. Allele origin: germline. Affected: yes.

GeneDx
Classification: Uncertain significance. Last evaluated: 2019-06-25. Review status: criteria provided, single submitter. Criteria: GeneDx Variant Classification Process June 2021. Collection method: clinical testing. Allele origin: germline. Affected: yes.
Comment: Identified in a patient with primary immunodeficiency disease who was also hemizygous for a variant in the CD40LG gene, and identified in a patient with fever and lymphadenopathy who was also heterozygous for a variant in the FCN3 gene (Stray-Pedersen et al., 2016; Chi et al., 2018); In silico analysis, which includes protein predictors and evolutionary conservation, supports that this variant does not alter protein structure/function; This variant is associated with the following publications: (PMID: 27577878, 30290665)

ARUP Laboratories, Molecular Genetics and Genomics, ARUP Laboratories
Classification: Uncertain significance. Last evaluated: 2017-01-03. Review status: criteria provided, single submitter. Criteria: ARUP Molecular Germline Variant Investigation Process. Collection method: clinical testing. Allele origin: germline.

Literature cited by the submitters: PubMed 27577878 (cited by Labcorp Genetics (formerly Invitae), Labcorp); PubMed 30290665 (cited by Labcorp Genetics (formerly Invitae), Labcorp).